The following is an entry in ClinVar:

ClinVar aggregate classification (germline): Uncertain significance (1 of 4 stars; one submission).

Submission:

Ambry Genetics
Classification: Uncertain significance. Last evaluated: 2022-11-06. Review status: criteria provided, single submitter. Criteria: Ambry Variant Classification Scheme 2023. Collection method: clinical testing. Allele origin: germline.
Comment: The p.K583T variant (also known as c.1748A>C), located in coding exon 1 of the MLH3 gene, results from an A to C substitution at nucleotide position 1748. The lysine at codon 583 is replaced by threonine, an amino acid with similar properties. This amino acid position is conserved. In addition, this alteration is predicted to be tolerated by in silico analysis. Since supporting evidence is limited at this time, the clinical significance of this alteration remains unclear.

NM_001040108.2(MLH3):c.1748A>C (p.Lys583Thr)

Gene: MLH3 (mutL homolog 3; minus strand). Cytogenetic location: 14q24.3.
Variant type: single nucleotide variant.
Coding change: c.1748A>C on transcript NM_001040108.2 (MANE Select); coding-DNA position 1748, A replaced by C.
Protein change: p.Lys583Thr; replaces lysine 583 with threonine.
Molecular consequence: missense variant.
Genome position (GRCh38, 1-based): chr14:75,047,908, T>G on the plus strand (A>C on the coding strand, the complement: MLH3 is on the minus strand). VCF-style: chr14-75047908-T-G. GRCh37 (hg19) VCF-style: chr14-75514611-T-G.
Other names: c.1748A>C, p.Lys583Thr (NM_014381.3); short protein forms K583T.
Identifiers: ClinVar variation 2448598 (VCV002448598.2), dbSNP rs2503287811, ClinGen allele CA390444466.